The following is an entry in ClinVar:

NM_199355.4(ADAMTS18):c.2705G>A (p.Arg902Gln)

Gene: ADAMTS18 (ADAM metallopeptidase with thrombospondin type 1 motif 18; minus strand). Cytogenetic location: 16q23.1.
Variant type: single nucleotide variant.
Coding change: c.2705G>A on transcript NM_199355.4 (MANE Select); coding-DNA position 2705, G replaced by A.
Protein change: p.Arg902Gln; replaces arginine 902 with glutamine.
Molecular consequence: missense variant.
Genome position (GRCh38, 1-based): chr16:77,297,385, C>T on the plus strand (G>A on the coding strand, the complement: ADAMTS18 is on the minus strand). VCF-style: chr16-77297385-C-T. GRCh37 (hg19) VCF-style: chr16-77331282-C-T.
Other names: c.2189G>A, p.Arg730Gln (NM_001326358.2); short protein forms R730Q, R902Q.
Identifiers: ClinVar variation 1057641 (VCV001057641.8), dbSNP rs144292157, ClinGen allele CA8180775.

ClinVar aggregate classification (germline): Uncertain significance (1 of 4 stars; one submission).

Allele frequency attached by ClinVar (database versions not stated): ExAC 0.00001; TOPMed 0.00006; ESP Exome Variant Server 0.00008.
gnomAD v4.1: 63 of 1,613,592 alleles (0.0039%); highest among the groups gnomAD compares: African/African-American, 0.013%; no homozygotes.

Submission:

Labcorp Genetics (formerly Invitae), Labcorp
Classification: Uncertain significance. Last evaluated: 2026-01-11. Review status: criteria provided, single submitter. Criteria: Invitae Variant Classification Sherloc (09022015). Collection method: clinical testing. Allele origin: germline.
Comment: This sequence change replaces arginine, which is basic and polar, with glutamine, which is neutral and polar, at codon 902 of the ADAMTS18 protein (p.Arg902Gln). This variant is present in population databases (rs144292157, gnomAD 0.008%). This variant has not been reported in the literature in individuals affected with ADAMTS18-related conditions. ClinVar contains an entry for this variant (Variation ID: 1057641). An algorithm developed to predict the effect of missense changes on protein structure and function outputs the following: PolyPhen-2: "Benign". The glutamine amino acid residue is found in multiple mammalian species, which suggests that this missense change does not adversely affect protein function. In summary, the available evidence is currently insufficient to determine the role of this variant in disease. Therefore, it has been classified as a Variant of Uncertain Significance.